The following is an entry in ClinVar:

NM_001083962.2(TCF4):c.1810_1815del (p.Pro604_Gln605del)

Gene: TCF4 (transcription factor 4; minus strand). Cytogenetic location: 18q21.2.
Variant type: Deletion.
Coding change: c.1810_1815del on transcript NM_001083962.2 (MANE Select); coding-DNA positions 1810 to 1815, 6 bases deleted (CCCCAG; older notation c.1810_1815delCCCCAG).
Protein change: p.Pro604_Gln605del.
Genome position (GRCh38, 1-based): chr18:55,228,911-55,228,916, CTGGGG deleted on the plus strand (CCCCAG on the coding strand, the reverse complement: TCF4 is on the minus strand); deleting any 6 consecutive bases within chr18:55,228,911-55,228,918 gives the same sequence; the c. name uses the placement nearest the transcript's 3' end. VCF-style (leftmost placement, unchanged base first): chr18-55228910-TCTGGGG-T. GRCh37 (hg19) VCF-style: chr18-52896141-TCTGGGG-T.
Other names: c.1735_1740del, p.Pro579_Gln580del (NM_001369580.1, NM_001369581.1, NM_001369576.1 and 3 more transcripts); c.1726_1731del, p.Pro576_Gln577del (NM_001369582.1, NM_001369583.1, NM_001306207.1 and 1 more transcripts); c.1723_1728del, p.Pro575_Gln576del (NM_001369584.1, NM_001369585.1, NM_001348220.1); c.1741_1746del, p.Pro581_Gln582del (NM_001369586.1); c.1798_1803del, p.Pro600_Gln601del (NM_003199.3, NM_001369571.1, NM_001369572.1); c.2116_2121del, p.Pro706_Gln707del (NM_001243226.3); c.1738_1743del, p.Pro580_Gln581del (NM_001243227.2, NM_001348217.1, NM_001348218.2 and 1 more transcripts); c.1828_1833del, p.Pro610_Gln611del (NM_001243228.2); and 14 more.
Identifiers: ClinVar variation 3724187 (VCV003724187.2).

ClinVar aggregate classification (germline): Uncertain significance (1 of 4 stars; one submission).

Conditions:
Pitt-Hopkins syndrome (PTHS). Also called: MENTAL RETARDATION, SYNDROMAL, WITH INTERMITTENT HYPERVENTILATION; ENCEPHALOPATHY, SEVERE EPILEPTIC, WITH AUTONOMIC DYSFUNCTION. Identifiers: Orphanet 2896, MedGen C1970431, MONDO:0012589, OMIM 610954.

Submission:

Labcorp Genetics (formerly Invitae), Labcorp
Classification: Uncertain significance for Pitt-Hopkins syndrome. Last evaluated: 2024-10-30. Review status: criteria provided, single submitter. Criteria: Invitae Variant Classification Sherloc (09022015). Collection method: clinical testing. Allele origin: germline.
Comment: This variant, c.1810_1815del, results in the deletion of 2 amino acid(s) of the TCF4 protein (p.Pro604_Gln605del), but otherwise preserves the integrity of the reading frame. This variant is not present in population databases (gnomAD no frequency). This variant has not been reported in the literature in individuals affected with TCF4-related conditions. Experimental studies and prediction algorithms are not available or were not evaluated, and the functional significance of this variant is currently unknown. In summary, the available evidence is currently insufficient to determine the role of this variant in disease. Therefore, it has been classified as a Variant of Uncertain Significance.